The following is an entry in ClinVar:

ClinVar aggregate classification (germline): Likely benign. Review status: criteria provided, multiple submitters, no conflicts (2 of 4 stars). 2 submissions from 2 submitters: Likely benign (2). Last evaluated 2026-03-11.

Conditions:
VWF-related disorder. Also called: VWF-related disorders; VWF-related condition.

Allele frequency attached by ClinVar (database versions not stated): gnomAD 0.00001; TOPMed 0.00001; ExAC 0.00003.
gnomAD v4.1: 32 of 1,614,020 alleles (0.002%); highest among the groups gnomAD compares: Middle Eastern, 0.016%; no homozygotes.

Submissions (2):

PreventionGenetics, part of Exact Sciences
Classification: Likely benign for VWF-related condition. Last evaluated: 2026-03-11. Review status: criteria provided, single submitter. Criteria: ACMG Guidelines, 2015. Collection method: clinical testing. Allele origin: germline.
Comment: This variant is classified as likely benign based on ACMG/AMP sequence variant interpretation guidelines (Richards et al. 2015 PMID: 25741868, with internal and published modifications).

CeGaT Center for Human Genetics Tuebingen
Classification: Likely benign. Last evaluated: 2022-07-01. Review status: criteria provided, single submitter. Criteria: CeGaT Center For Human Genetics Tuebingen Variant Classification Criteria Version 2. Collection method: clinical testing. Allele origin: germline. Affected: yes. Observed: 1 variant allele.
Comment: VWF: BP4, BP7

NM_000552.5(VWF):c.6825C>T (p.His2275=)

Gene: VWF (von Willebrand factor; minus strand). Cytogenetic location: 12p13.31.
Variant type: single nucleotide variant.
Coding change: c.6825C>T on transcript NM_000552.5 (MANE Select); coding-DNA position 6825, C replaced by T.
Protein change: p.His2275=; no amino-acid change (histidine 2275 retained).
Molecular consequence: synonymous variant.
Genome position (GRCh38, 1-based): chr12:5,985,639, G>A on the plus strand (C>T on the coding strand, the complement: VWF is on the minus strand). VCF-style: chr12-5985639-G-A. GRCh37 (hg19) VCF-style: chr12-6094805-G-A.
Other names: c.6825C>T (NM_000552.4).
Identifiers: ClinVar variation 2642602 (VCV002642602.25), dbSNP rs776323909, ClinGen allele CA6401886.